The following is an entry in ClinVar:

ClinVar aggregate classification (germline): Likely pathogenic (1 of 4 stars; one submission).

Submission:

Labcorp Genetics (formerly Invitae), Labcorp
Classification: Likely pathogenic. Last evaluated: 2024-12-16. Review status: criteria provided, single submitter. Criteria: Invitae Variant Classification Sherloc (09022015). Collection method: clinical testing. Allele origin: germline.
Comment: This sequence change affects a splice site in intron 2 of the NDUFS2 gene. It is expected to disrupt RNA splicing. Variants that disrupt the donor or acceptor splice site typically lead to a loss of protein function (PMID: 16199547), and loss-of-function variants in NDUFS2 are known to be pathogenic (PMID: 20818383, 31411514). This variant is not present in population databases (gnomAD no frequency). This variant has not been reported in the literature in individuals affected with NDUFS2-related conditions. In summary, the currently available evidence indicates that the variant is pathogenic, but additional data are needed to prove that conclusively. Therefore, this variant has been classified as Likely Pathogenic.

Literature cited by the submitters: PubMed 16199547; PubMed 20818383; PubMed 31411514.

NM_001377299.1(NDUFS2):c.95+1_95+16del

Genes: NDUFS2 (NADH:ubiquinone oxidoreductase core subunit S2; plus strand), LOC129931761 (ATAC-STARR-seq lymphoblastoid active region 1985; plus strand). Cytogenetic location: 1q23.3.
Variant type: Deletion.
Coding change: c.95+1_95+16del on transcript NM_001377299.1 (MANE Select); the canonical splice donor site of the intron after coding-DNA position 95 through 16 bases into the intron after coding-DNA position 95, 16 bases deleted (GTGAGATCGAGGGCAG).
Molecular consequence: splice donor variant.
Genome position (GRCh38, 1-based): chr1:161,202,481-161,202,496, GTGAGATCGAGGGCAG deleted; deleting any 16 consecutive bases within chr1:161,202,477-161,202,496 gives the same sequence; the c. name uses the placement nearest the transcript's 3' end. VCF-style (leftmost placement, unchanged base first): chr1-161202476-AGCAGGTGAGATCGAGG-A. GRCh37 (hg19) VCF-style: chr1-161172266-AGCAGGTGAGATCGAGG-A.
Other names: c.95+1_95+16del (NM_001166159.2, NM_001377302.1, NM_001410889.1 and 4 more transcripts).
Identifiers: ClinVar variation 3680769 (VCV003680769.2).